The following is an entry in ClinVar:

NM_001253697.2(ERBIN):c.1307-7_1307-3del

Gene: ERBIN (erbb2 interacting protein; plus strand). Cytogenetic location: 5q12.3.
Variant type: Deletion.
Coding change: c.1307-7_1307-3del on transcript NM_001253697.2 (MANE Select); 7 bases into the intron before coding-DNA position 1307 through 3 bases into the intron before coding-DNA position 1307, 5 bases deleted (TCTCT; older notation c.1307-7_1307-3delTCTCT).
Molecular consequence: intron variant.
Genome position (GRCh38, 1-based): chr5:66,043,070-66,043,074, TCTCT deleted; deleting any 5 consecutive bases within chr5:66,043,069-66,043,074 gives the same sequence; the c. name uses the placement nearest the transcript's 3' end. VCF-style (leftmost placement, unchanged base first): chr5-66043068-TTTCTC-T. GRCh37 (hg19) VCF-style: chr5-65338896-TTTCTC-T.
Other names: c.1307-7_1307-3del (NM_001253699.2, NM_018695.4, NM_001253698.2 and 2 more transcripts).
Identifiers: ClinVar variation 1945939 (VCV001945939.5), dbSNP rs768930302, ClinGen allele CA3286232.

ClinVar aggregate classification (germline): Uncertain significance (1 of 4 stars; one submission).

Submission:

Labcorp Genetics (formerly Invitae), Labcorp
Classification: Uncertain significance. Last evaluated: 2024-10-28. Review status: criteria provided, single submitter. Criteria: Invitae Variant Classification Sherloc (09022015). Collection method: clinical testing. Allele origin: germline.
Comment: This sequence change falls in intron 15 of the ERBIN gene. It does not directly change the encoded amino acid sequence of the ERBIN protein. This variant is present in population databases (rs768930302, gnomAD 0.002%). This variant has not been reported in the literature in individuals affected with ERBIN-related conditions. ClinVar contains an entry for this variant (Variation ID: 1945939). Algorithms developed to predict the effect of sequence changes on RNA splicing suggest that this variant may disrupt the consensus splice site. In summary, the available evidence is currently insufficient to determine the role of this variant in disease. Therefore, it has been classified as a Variant of Uncertain Significance.